The following is an entry in ClinVar:

ClinVar aggregate classification (germline): Uncertain significance (1 of 4 stars; one submission).

Submission:

Labcorp Genetics (formerly Invitae), Labcorp
Classification: Uncertain significance. Last evaluated: 2025-07-07. Review status: criteria provided, single submitter. Criteria: Invitae Variant Classification Sherloc (09022015). Collection method: clinical testing. Allele origin: germline.
Comment: This sequence change replaces glutamine, which is neutral and polar, with proline, which is neutral and non-polar, at codon 514 of the FBXO11 protein (p.Gln514Pro). This variant is not present in population databases (gnomAD no frequency). This variant has not been reported in the literature in individuals affected with FBXO11-related conditions. ClinVar contains an entry for this variant (Variation ID: 3641370). An algorithm developed to predict the effect of missense changes on protein structure and function (PolyPhen-2) suggests that this variant is likely to be disruptive. In summary, the available evidence is currently insufficient to determine the role of this variant in disease. Therefore, it has been classified as a Variant of Uncertain Significance.

NM_001190274.2(FBXO11):c.1541A>C (p.Gln514Pro)

Gene: FBXO11 (F-box protein 11; minus strand). Cytogenetic location: 2p16.3.
Variant type: single nucleotide variant.
Coding change: c.1541A>C on transcript NM_001190274.2 (MANE Select); coding-DNA position 1541, A replaced by C.
Protein change: p.Gln514Pro; replaces glutamine 514 with proline.
Molecular consequence: missense variant.
Genome position (GRCh38, 1-based): chr2:47,823,218, T>G on the plus strand (A>C on the coding strand, the complement: FBXO11 is on the minus strand). VCF-style: chr2-47823218-T-G. GRCh37 (hg19) VCF-style: chr2-48050357-T-G.
Other names: c.1289A>C, p.Gln430Pro (NM_001374325.1, NM_025133.4); short protein forms Q430P, Q514P.
Identifiers: ClinVar variation 3641370 (VCV003641370.2).